The following is an entry in ClinVar:

NM_021922.3(FANCE):c.522G>A (p.Gly174=)

Gene: FANCE (FA complementation group E; plus strand). Cytogenetic location: 6p21.31.
Variant type: single nucleotide variant.
Coding change: c.522G>A on transcript NM_021922.3 (MANE Select); coding-DNA position 522, G replaced by A.
Protein change: p.Gly174=; no amino-acid change (glycine 174 retained).
Molecular consequence: synonymous variant.
Genome position (GRCh38, 1-based): chr6:35,456,020, G>A. VCF-style: chr6-35456020-G-A. GRCh37 (hg19) VCF-style: chr6-35423797-G-A.
Identifiers: ClinVar variation 695965 (VCV000695965.15), dbSNP rs145648734, ClinGen allele CA3771427.

ClinVar aggregate classification (germline): Likely benign. Review status: criteria provided, multiple submitters, no conflicts (2 of 4 stars). 5 submissions from 5 submitters: Likely benign (4). 1 of the submissions does not count toward it. Last evaluated 2026-01-14.

Conditions:
FANCE-related disorder. Also called: FANCE-related condition.
Fanconi anemia (FA). Also called: Fanconi's anemia. Identifiers: Orphanet 84, MedGen C0015625, MeSH D005199, MONDO:0019391.
Fanconi anemia complementation group E (FANCE). Also called: FANCE-Related Fanconi Anemia. Identifiers: Orphanet 84, MedGen C3160739, MONDO:0010953, OMIM 600901.

Allele frequency attached by ClinVar (database versions not stated): gnomAD exomes 0.00015; 1000 Genomes Project 30x 0.00016; ExAC 0.00019; gnomAD 0.00070 and 0.00078; ESP Exome Variant Server 0.00077; TOPMed 0.00087.
gnomAD v4.1: 200 of 1,612,950 alleles (0.012%); highest among the groups gnomAD compares: African/African-American, 0.25%; no homozygotes.

Submissions (5):

Labcorp Genetics (formerly Invitae), Labcorp
Classification: Likely benign for Fanconi anemia complementation group E. Last evaluated: 2026-01-14. Review status: criteria provided, single submitter. Criteria: Invitae Variant Classification Sherloc (09022015). Collection method: clinical testing. Allele origin: germline.

Blueprint Genetics
Classification: Likely benign. Last evaluated: 2023-09-30. Review status: criteria provided, single submitter. Criteria: ACMG Guidelines, 2015. Collection method: clinical testing. Allele origin: germline.

Sema4
Classification: Likely benign for Fanconi anemia. Last evaluated: 2022-01-25. Review status: criteria provided, single submitter. Criteria: Sema4 Curation Guidelines. Collection method: curation. Allele origin: germline.

Fulgent Genetics
Classification: Likely benign for Fanconi anemia complementation group E. Last evaluated: 2021-08-25. Review status: criteria provided, single submitter. Criteria: ACMG Guidelines, 2015. Collection method: clinical testing. Allele origin: unknown.

PreventionGenetics, part of Exact Sciences
Classification: Likely benign for FANCE-related condition. Last evaluated: 2019-07-30. Review status: no assertion criteria provided. Collection method: clinical testing. Allele origin: germline. Not counted in ClinVar's aggregate classification.
Comment: This variant is classified as likely benign based on ACMG/AMP sequence variant interpretation guidelines (Richards et al. 2015 PMID: 25741868, with internal and published modifications).